The following is an entry in ClinVar:

NM_006237.4(POU4F1):c.187G>A (p.Ala63Thr)

Genes: OBI1-AS1 (OBI1 antisense RNA 1; plus strand), POU4F1 (POU class 4 homeobox 1; minus strand). Cytogenetic location: 13q31.1.
Variant type: single nucleotide variant.
Coding change: c.187G>A on transcript NM_006237.4 (MANE Select); coding-DNA position 187, G replaced by A.
Protein change: p.Ala63Thr; replaces alanine 63 with threonine.
Molecular consequence: missense variant.
Genome position (GRCh38, 1-based): chr13:78,602,488, C>T on the plus strand (G>A on the coding strand, the complement: POU4F1 is on the minus strand). VCF-style: chr13-78602488-C-T. GRCh37 (hg19) VCF-style: chr13-79176623-C-T.
Other names: short protein forms A63T.
Identifiers: ClinVar variation 3390035 (VCV003390035.14).

ClinVar aggregate classification (germline): Uncertain significance (1 of 4 stars; one submission).

gnomAD v4.1: 2 of 1,596,014 alleles (0.00013%); highest among the groups gnomAD compares: Non-Finnish European, 0.00017%; no homozygotes.

Submission:

CeGaT Center for Human Genetics Tuebingen
Classification: Uncertain significance. Last evaluated: 2024-10-01. Review status: criteria provided, single submitter. Criteria: CeGaT Center For Human Genetics Tuebingen Variant Classification Criteria Version 2. Collection method: clinical testing. Allele origin: germline. Affected: yes. Observed: 1 variant allele.
Comment: POU4F1: PM2:Supporting